The following is an entry in ClinVar:

ClinVar aggregate classification (germline): Likely benign (1 of 4 stars; one submission).

Submission:

GeneDx
Classification: Likely benign. Last evaluated: 2019-04-24. Review status: criteria provided, single submitter. Criteria: GeneDx Variant Classification Process June 2021. Collection method: clinical testing. Allele origin: germline. Affected: yes.
Comment: See Variant Classification Assertion Criteria.

NM_001291088.2(WDR87):c.6906GGA[4] (p.Glu2307del)

Gene: WDR87 (WD repeat domain 87; minus strand). Cytogenetic location: 19q13.13.
Variant type: Microsatellite.
Coding change: c.6906GGA[4] on transcript NM_001291088.2 (MANE Select); four copies in a row of the 3-base unit GGA starting at c.6906; the reference has five copies in a row; one copy, 3 bases deleted.
Protein change: p.Glu2307del; deletes glutamic acid 2307.
Molecular consequence: inframe deletion.
Genome position (GRCh38, 1-based): chr19:37,886,751-37,886,753, TCC deleted on the plus strand (GGA on the coding strand, the reverse complement: WDR87 is on the minus strand); deleting any 3 consecutive bases within chr19:37,886,751-37,886,765 gives the same sequence; the position shown is the placement nearest the transcript's 3' end. VCF-style (leftmost placement, unchanged base first): chr19-37886750-TTCC-T. GRCh37 (hg19) VCF-style: chr19-38377390-TTCC-T.
Other names: c.6789GGA[4], p.Glu2268del (NM_031951.5); short protein forms E2268del, E2307del.
Identifiers: ClinVar variation 1706245 (VCV001706245.2), dbSNP rs749855670, ClinGen allele CA9408466.